The following is an entry in ClinVar:

NM_001276345.2(TNNT2):c.121G>A (p.Asp41Asn)

Gene: TNNT2 (troponin T2, cardiac type; minus strand). Cytogenetic location: 1q32.1.
Variant type: single nucleotide variant.
Coding change: c.121G>A on transcript NM_001276345.2 (MANE Select); coding-DNA position 121, G replaced by A.
Protein change: p.Asp41Asn; replaces aspartic acid 41 with asparagine.
Molecular consequence: missense variant.
Genome position (GRCh38, 1-based): chr1:201,368,204, C>T on the plus strand (G>A on the coding strand, the complement: TNNT2 is on the minus strand). VCF-style: chr1-201368204-C-T. GRCh37 (hg19) VCF-style: chr1-201337332-C-T.
Other names: c.121G>A, p.Asp41Asn (NM_000364.4, NM_001276346.2); c.91G>A, p.Asp31Asn (NM_001001430.3, NM_001001431.3, NM_001276347.2); c.76G>A, p.Asp26Asn (NM_001001432.3); short protein forms D41N, D26N, D31N.
Identifiers: ClinVar variation 918952 (VCV000918952.17), dbSNP rs748078123, ClinGen allele CA089237.

ClinVar aggregate classification (germline): Conflicting classifications of pathogenicity. Review status: criteria provided, conflicting classifications (1 of 4 stars). 7 submissions from 5 submitters: Uncertain significance (6); Likely benign (1). Last evaluated 2025-07-25.

Conditions:
Cardiomyopathy (CMYO). Also called: Cardiomyopathies. Identifiers: Orphanet 167848, MedGen C0878544, MONDO:0004994, HP:0001638. Inheritance: Various modes of inheritance.
Dilated cardiomyopathy 1D. Identifiers: Orphanet 154, Orphanet 54260, MedGen C1832243, MONDO:0011095, OMIM 601494.
Cardiomyopathy, familial restrictive, 3. Identifiers: Orphanet 75249, MedGen C2676271, MONDO:0012900, OMIM 612422.
Hypertrophic cardiomyopathy 2. Also called: TNNT2-Related Familial Hypertrophic Cardiomyopathy. Identifiers: MedGen C1861864, MONDO:0007266, OMIM 115195.
Cardiovascular phenotype. Identifiers: MedGen CN230736.

Allele frequency attached by ClinVar (database versions not stated): gnomAD below 0.00001 and 0.00001; TOPMed below 0.00001; ExAC 0.00001; gnomAD exomes 0.00001 and 0.00002.

Submissions (7):

Color Diagnostics, LLC DBA Color Health
Classification: Likely benign for Cardiomyopathy. Last evaluated: 2025-07-25. Review status: criteria provided, single submitter. Criteria: ACMG Guidelines, 2015. Collection method: clinical testing. Allele origin: germline.

Labcorp Genetics (formerly Invitae), Labcorp
Classification: Uncertain significance for Cardiomyopathy, familial restrictive, 3; Hypertrophic cardiomyopathy 2; Dilated cardiomyopathy 1D. Last evaluated: 2025-06-16. Review status: criteria provided, single submitter. Criteria: Invitae Variant Classification Sherloc (09022015). Collection method: clinical testing. Allele origin: germline.
Comment: This sequence change replaces aspartic acid, which is acidic and polar, with asparagine, which is neutral and polar, at codon 31 of the TNNT2 protein (p.Asp31Asn). This variant is present in population databases (rs748078123, gnomAD 0.01%). This variant has not been reported in the literature in individuals affected with TNNT2-related conditions. ClinVar contains an entry for this variant (Variation ID: 918952). Invitae Evidence Modeling of protein sequence and biophysical properties (such as structural, functional, and spatial information, amino acid conservation, physicochemical variation, residue mobility, and thermodynamic stability) indicates that this missense variant is expected to disrupt TNNT2 protein function with a positive predictive value of 80%. In summary, the available evidence is currently insufficient to determine the role of this variant in disease. Therefore, it has been classified as a Variant of Uncertain Significance.

Ambry Genetics
Classification: Uncertain significance for Cardiovascular phenotype. Last evaluated: 2024-09-16. Review status: criteria provided, single submitter. Criteria: Ambry Variant Classification Scheme 2023. Collection method: clinical testing. Allele origin: germline.
Comment: The p.D31N variant (also known as c.91G>A), located in coding exon 4 of the TNNT2 gene, results from a G to A substitution at nucleotide position 91. The aspartic acid at codon 31 is replaced by asparagine, an amino acid with highly similar properties. This amino acid position is poorly conserved in available vertebrate species. In addition, the in silico prediction for this alteration is inconclusive. Based on the available evidence, the clinical significance of this variant remains unclear.

All of Us Research Program, National Institutes of Health
Classification: Uncertain significance for Cardiomyopathy. Last evaluated: 2024-01-11. Review status: criteria provided, single submitter. Criteria: ACMG Guidelines, 2015. Collection method: clinical testing. Allele origin: germline. Inheritance: Autosomal dominant inheritance. Observed: 4 variant alleles, 4 heterozygotes.
Comment: This missense variant replaces aspartic acid with asparagine at codon 31 of the TNNT2 protein. Computational prediction suggests that this variant may not impact protein structure and function (internally defined REVEL score threshold <= 0.5, PMID: 27666373). To our knowledge, functional studies have not been reported for this variant. This variant has not been reported in individuals affected with cardiovascular disorders in the literature. This variant has been identified in 4/251460 chromosomes in the general population by the Genome Aggregation Database (gnomAD). The available evidence is insufficient to determine the role of this variant in disease conclusively. Therefore, this variant is classified as a Variant of Uncertain Significance.

This study involves interpretation of variants in research participants for the purpose of population health screening. Participant phenotype was not available at the time of variant classification. Additional details can be found in publication PMID: 35346344, PMCID: PMC8962531

Genome-Nilou Lab
Classification: Uncertain significance for Dilated cardiomyopathy 1D. Last evaluated: 2023-11-04. Review status: criteria provided, single submitter. Criteria: ACMG Guidelines, 2015. Collection method: clinical testing. Allele origin: germline. Affected: no.

Genome-Nilou Lab
Classification: Uncertain significance for Cardiomyopathy, familial restrictive, 3. Last evaluated: 2023-11-04. Review status: criteria provided, single submitter. Criteria: ACMG Guidelines, 2015. Collection method: clinical testing. Allele origin: germline. Affected: no.

Genome-Nilou Lab
Classification: Uncertain significance for Hypertrophic cardiomyopathy 2. Last evaluated: 2023-11-04. Review status: criteria provided, single submitter. Criteria: ACMG Guidelines, 2015. Collection method: clinical testing. Allele origin: germline. Affected: no.